The following is an entry in ClinVar:

NM_004004.6(GJB2):c.11del (p.Gly4fs)

Gene: GJB2 (gap junction protein beta 2; minus strand). Cytogenetic location: 13q12.11.
Variant type: Deletion.
Coding change: c.11del on transcript NM_004004.6 (MANE Select); coding-DNA position 11, one base deleted (G; older notation c.11delG).
Protein change: p.Gly4fs; shifts the reading frame from glycine 4.
Molecular consequence: frameshift variant.
Genome position (GRCh38, 1-based): chr13:20,189,571, C deleted on the plus strand (G on the coding strand, the reverse complement: GJB2 is on the minus strand); the first of 4 consecutive C bases (chr13:20,189,571-20,189,574); deleting any one gives the same sequence. VCF-style (leftmost placement, unchanged base first): chr13-20189570-GC-G. GRCh37 (hg19) VCF-style: chr13-20763709-GC-G.
Other names: c.11delG (NM_004004.5); short protein forms G4fs.
Identifiers: ClinVar variation 496214 (VCV000496214.13), dbSNP rs1555342014, ClinGen allele CA483154064.
Genomic context (GRCh38, chr13:20,189,570, plus strand): 5'-CCAGATCTTTCCAATGCTGGTGGAGTGTTTGTTCACACCCCCCAGGATCGTCTGCAGCGT[GC>G]CCCAATCCATCTTCTACTCTGGGCGGTTTGCTCTGGAAAAGACGAATGCACACAACACAG-3'

ClinVar aggregate classification (germline): Pathogenic/Likely pathogenic. Review status: criteria provided, multiple submitters, no conflicts (2 of 4 stars). 4 submissions from 4 submitters: Pathogenic (2); Likely pathogenic (2). Last evaluated 2023-10-04.

Conditions:
Autosomal recessive nonsyndromic hearing loss 1A (DFNB1A). Also called: GJB6-Related DFNB 1 Nonsyndromic Hearing Loss and Deafness; Deafness, autosomal recessive 1A; Nonsyndromic Hearing Loss and Deafness, DFNB1; GJB2-Related Autosomal Recessive Nonsyndromic Hearing Loss; Connexin 26 deafness; Deafness nonsyndromic, Connexin 26 linked. Identifiers: Orphanet 90636, MedGen C2673759, MONDO:0009076, OMIM 220290.

Submissions (4):

Labcorp Genetics (formerly Invitae), Labcorp
Classification: Pathogenic. Last evaluated: 2023-10-04. Review status: criteria provided, single submitter. Criteria: Invitae Variant Classification Sherloc (09022015). Collection method: clinical testing. Allele origin: germline.
Comment: This sequence change creates a premature translational stop signal (p.Gly4Alafs*10) in the GJB2 gene. While this is not anticipated to result in nonsense mediated decay, it is expected to disrupt the last 223 amino acid(s) of the GJB2 protein. This variant is not present in population databases (gnomAD no frequency). This premature translational stop signal has been observed in individual(s) with deafness (PMID: 17666888). ClinVar contains an entry for this variant (Variation ID: 496214). This variant disrupts a region of the GJB2 protein in which other variant(s) (p.Leu213*) have been determined to be pathogenic (PMID: 23141775). This suggests that this is a clinically significant region of the protein, and that variants that disrupt it are likely to be disease-causing. For these reasons, this variant has been classified as Pathogenic.

GeneDx
Classification: Likely pathogenic. Last evaluated: 2022-02-01. Review status: criteria provided, single submitter. Criteria: GeneDx Variant Classification Process June 2021. Collection method: clinical testing. Allele origin: germline. Affected: yes.
Comment: Observed in a patient with hearing loss in published literature; however, no specific information on the patient is available (Putcha GV et al., 2007); Frameshift variant predicted to result in protein truncation, as the last 223 amino acids are replaced with 9 different amino acids, and other loss-of-function variants have been reported downstream in HGMD; Not observed at significant frequency in large population cohorts (gnomAD); This variant is associated with the following publications: (PMID: 17666888)

ARUP Laboratories, Molecular Genetics and Genomics, ARUP Laboratories
Classification: Pathogenic. Last evaluated: 2018-10-21. Review status: criteria provided, single submitter. Criteria: ARUP Molecular Germline Variant Investigation Process. Collection method: clinical testing. Allele origin: germline.
Comment: The GJB2 c.11delG; p.Gly4fs variant, also published as 8delG, is reported in the medical literature in at least two individuals with hearing loss (Banjara 2016, Putcha 2007). The variant is reported in the ClinVar database (Variation ID: 496214), but is absent from general population databases (1000 Genomes Project, Exome Variant Server, and Genome Aggregation Database), indicating it is not a common polymorphism. This variant causes a frameshift by deleting a single nucleotide, so it is predicted to result in a truncated protein or mRNA subject to nonsense-mediated decay. Additionally, the variant is classified as pathogenic in the Deafness Variation Database (see link below) and other frameshift variants in this region are classified as pathogenic (see link to ClinVar below). Considering available information, this variant is classified as pathogenic. References: Link to Deafness Variation Database: Link to GJB2 in ClinVar: Banjara H et al. Detection of Connexion 26 GENE (GJB2) Mutations in Cases of Congenital Non Syndromic Deafness. Indian J Otolaryngol Head Neck Surg. 2016 Jun;68(2):248-53. Putcha GV et al. A multicenter study of the frequency and distribution of GJB2 and GJB6 mutations in a large North American cohort. Genet Med. 2007 Jul;9(7):413-26.

Women's Health and Genetics/Laboratory Corporation of America, LabCorp
Classification: Likely pathogenic for Autosomal recessive nonsyndromic hearing loss 1A. Last evaluated: 2016-04-05. Review status: criteria provided, single submitter. Criteria: LabCorp Variant Classification Summary - May 2015. Collection method: clinical testing. Allele origin: germline.
Comment: Variant summary: This GJB2 c.11delG variant causes a frameshift, which alters the proteins amino acid sequence beginning at position 4 and leads to a premature termination codon nine amino acids downstream. Mutation taster predicts this variant to be disease-causing. The variant was not observed in the large and broad cohorts of the ExAC project or ESP. The variant of interest was reported in 2 patients with hearing loss (Putcha_GenMed_2007, Banjara_IJOHNS_2015). Truncations downstream of this position have been classified as disease/pathogenic variants by our laboratory such as c.19C>T (p.Gln7X ), c.35dupG (V13fs), and c.35delG (G12fs). Deafness variation database lists the variant as "pathogenic." Considering all evidence, this variant has been classified as Likely Pathogenic until additional information becomes available.

Literature cited by the submitters: PubMed 17666888 (cited by Labcorp Genetics (formerly Invitae), Labcorp and Women's Health and Genetics/Laboratory Corporation of America, LabCorp); PubMed 23141775 (cited by Labcorp Genetics (formerly Invitae), Labcorp).